The following is an entry in ClinVar:

ClinVar aggregate classification (germline): Benign (1 of 4 stars; one submission).

Conditions:
Lynch syndrome 5 (LYNCH5). Also called: Colorectal cancer, hereditary nonpolyposis, type 5; Hereditary non-polyposis colorectal cancer, type 5. Identifiers: Orphanet 144, MedGen C1833477, MONDO:0013710, OMIM 614350. Disease mechanism: loss of function.

Submission:

Myriad Genetics, Inc.
Classification: Benign for Lynch syndrome 5. Last evaluated: 2024-12-23. Review status: criteria provided, single submitter. Criteria: Myriad Autosomal Dominant, Autosomal Recessive and X-Linked Classification Criteria (2023). Collection method: clinical testing. Allele origin: unknown.
Comment: This variant is considered benign. This variant is a silent/synonymous amino acid change and it is not expected to impact splicing.

NM_000179.3(MSH6):c.1173T>C (p.Phe391=)

Gene: MSH6 (mutS homolog 6; plus strand). Cytogenetic location: 2p16.3.
Variant type: single nucleotide variant.
Coding change: c.1173T>C on transcript NM_000179.3 (MANE Select); coding-DNA position 1173, T replaced by C.
Protein change: p.Phe391=; no amino-acid change (phenylalanine 391 retained).
Molecular consequence: synonymous variant. On other transcripts: non-coding transcript variant (4), intron variant (1).
Genome position (GRCh38, 1-based): chr2:47,799,156, T>C. VCF-style: chr2-47799156-T-C. GRCh37 (hg19) VCF-style: chr2-48026295-T-C.
Other names: c.267T>C, p.Phe89= (NM_001406816.1, NM_001406823.1, NM_001406829.1 and 6 more transcripts); c.1173T>C, p.Phe391= (NM_001406817.1, NM_001406796.1, NM_001406798.1 and 4 more transcripts); c.876T>C, p.Phe292= (NM_001406818.1, NM_001406819.1, NM_001406820.1 and 10 more transcripts); c.1005T>C, p.Phe335= (NM_001406826.1); c.628-1510T>C (NM_001407362.1); c.783T>C, p.Phe261= (NM_001281492.2); c.1269T>C, p.Phe423= (NM_001406795.1, NM_001406802.1); c.648T>C, p.Phe216= (NM_001406799.1, NM_001406806.1, NM_001406807.1); and 2 more.
Identifiers: ClinVar variation 3903700 (VCV003903700.1).
Genomic context (GRCh38, chr2:47,799,156, plus strand): 5'-ATGGCTTAAGGAGGAAAAGAGAAGAGATGAGCACAGGAGGAGGCCTGATCACCCCGATTT[T>C]GATGCATCTACACTCTATGTGCCTGAGGATTTCCTCAATTCTTGTACTCCTGGGATGAGG-3'
Protein context (NP_000170.1, residues 381-401): EHRRRPDHPD[Phe391=]DASTLYVPED